The following is an entry in ClinVar:

NM_004863.4(SPTLC2):c.1267A>G (p.Met423Val)

Gene: SPTLC2 (serine palmitoyltransferase long chain base subunit 2; minus strand). Cytogenetic location: 14q24.3.
Variant type: single nucleotide variant.
Coding change: c.1267A>G on transcript NM_004863.4 (MANE Select); coding-DNA position 1267, A replaced by G.
Protein change: p.Met423Val; replaces methionine 423 with valine.
Molecular consequence: missense variant.
Genome position (GRCh38, 1-based): chr14:77,552,132, T>C on the plus strand (A>G on the coding strand, the complement: SPTLC2 is on the minus strand). VCF-style: chr14-77552132-T-C. GRCh37 (hg19) VCF-style: chr14-78018475-T-C.
Other names: short protein forms M423V.
Identifiers: ClinVar variation 3613268 (VCV003613268.2).

ClinVar aggregate classification (germline): Uncertain significance (1 of 4 stars; one submission).

Conditions:
Neuropathy, hereditary sensory and autonomic, type 1C. Also called: HSAN IC; HSN IC. Identifiers: Orphanet 36386, MedGen C3150896, MONDO:0013337, OMIM 613640.

gnomAD v4.1: 4 of 1,614,166 alleles (0.00025%); highest among the groups gnomAD compares: South Asian, 0.0022%; no homozygotes.

Submission:

Labcorp Genetics (formerly Invitae), Labcorp
Classification: Uncertain significance for Neuropathy, hereditary sensory and autonomic, type 1C. Last evaluated: 2024-08-23. Review status: criteria provided, single submitter. Criteria: Invitae Variant Classification Sherloc (09022015). Collection method: clinical testing. Allele origin: germline.
Comment: This sequence change replaces methionine, which is neutral and non-polar, with valine, which is neutral and non-polar, at codon 423 of the SPTLC2 protein (p.Met423Val). This variant is present in population databases (rs749776785, gnomAD 0.003%). This variant has not been reported in the literature in individuals affected with SPTLC2-related conditions. Invitae Evidence Modeling of protein sequence and biophysical properties (such as structural, functional, and spatial information, amino acid conservation, physicochemical variation, residue mobility, and thermodynamic stability) indicates that this missense variant is not expected to disrupt SPTLC2 protein function with a negative predictive value of 80%. In summary, the available evidence is currently insufficient to determine the role of this variant in disease. Therefore, it has been classified as a Variant of Uncertain Significance.